The following is an entry in ClinVar:

ClinVar aggregate classification (germline): Likely benign (1 of 4 stars; one submission).

Submission:

CeGaT Center for Human Genetics Tuebingen
Classification: Likely benign. Last evaluated: 2022-05-01. Review status: criteria provided, single submitter. Criteria: CeGaT Center For Human Genetics Tuebingen Variant Classification Criteria Version 2. Collection method: clinical testing. Allele origin: germline. Affected: yes. Observed: 1 variant allele.
Comment: AL445238.1: PM2:Supporting, BP4, BP7; LOC647264: PM2:Supporting, BP4, BP7

NM_001370368.2(LOC647264):c.162T>C (p.Ser54=)

Genes: LOC102723968 (uncharacterized LOC102723968; minus strand), LOC647264 (keratin-associated protein 21-1; minus strand). Cytogenetic location: 13q21.31.
Variant type: single nucleotide variant.
Coding change: c.162T>C on transcript NM_001370368.2 (MANE Select); coding-DNA position 162, T replaced by C.
Protein change: p.Ser54=; no amino-acid change (serine 54 retained).
Molecular consequence: synonymous variant.
Genome position (GRCh38, 1-based): chr13:63,832,832, A>G on the plus strand (T>C on the coding strand, the complement: LOC647264 is on the minus strand). VCF-style: chr13-63832832-A-G. GRCh37 (hg19) VCF-style: chr13-64406965-A-G.
Identifiers: ClinVar variation 2643835 (VCV002643835.23), dbSNP rs1377107251, ClinGen allele CA699927174.